The following is an entry in ClinVar:

ClinVar aggregate classification (germline): Pathogenic/Likely pathogenic. Review status: criteria provided, multiple submitters, no conflicts (2 of 4 stars). 4 submissions from 4 submitters: Pathogenic (1); Likely pathogenic (3). Last evaluated 2025-09-25.

Conditions:
Glutaric acidemia type 2A.
Multiple acyl-CoA dehydrogenase deficiency (MADD). Also called: ETHYLMALONIC-ADIPICACIDURIA; GA II; Glutaric acidemia type II; GA 2; Glutaric Acidemia type 2; Glutaric aciduria, type 2. Identifiers: Orphanet 26791, MedGen C0268596, MONDO:0009282, OMIM 231680.
ETFA-related disorders.

Allele frequency attached by ClinVar (database versions not stated): gnomAD exomes below 0.00001 and 0.00001; TOPMed below 0.00001; gnomAD 0.00001.

Submissions (4):

Labcorp Genetics (formerly Invitae), Labcorp
Classification: Pathogenic for Multiple acyl-CoA dehydrogenase deficiency. Last evaluated: 2025-09-25. Review status: criteria provided, single submitter. Criteria: Invitae Variant Classification Sherloc (09022015). Collection method: clinical testing. Allele origin: germline.
Comment: This sequence change creates a premature translational stop signal (p.Arg209Aspfs*4) in the ETFA gene. It is expected to result in an absent or disrupted protein product. Loss-of-function variants in ETFA are known to be pathogenic (PMID: 16510302, 23785301). This variant is present in population databases (no rsID available, gnomAD 0.0009%). This variant has not been reported in the literature in individuals affected with ETFA-related conditions. ClinVar contains an entry for this variant (Variation ID: 853348). Algorithms developed to predict the effect of sequence changes on RNA splicing suggest that this variant may disrupt the consensus splice site. For these reasons, this variant has been classified as Pathogenic.

Natera, Inc.
Classification: Likely pathogenic for Glutaric acidemia type 2A. Last evaluated: 2024-10-14. Review status: criteria provided, single submitter. Criteria: Natera Variant Classification Schema (03/2026). Collection method: clinical testing. Allele origin: germline.
Comment: The c.625delC variant in ETFA is a frameshift variant predicted to shift the reading frame beginning at codon 209 and leads to a stop codon 4 codons downstream. This variant is expected to result in nonsense mediated decay, truncation, or a dysfunctional protein product. This variant is rare in the general population with a frequency below the threshold expected for the associated phenotype(s). Given the available evidence, this variant is classified as Likely Pathogenic.

Blueprint Genetics
Classification: Likely pathogenic for ETFA-related disorders. Last evaluated: 2024-07-17. Review status: criteria provided, single submitter. Criteria: ACMG Guidelines, 2015. Collection method: clinical testing. Allele origin: germline. Affected: yes. Observed: 2 variant alleles.

Baylor Genetics
Classification: Likely pathogenic for Multiple acyl-CoA dehydrogenase deficiency. Last evaluated: 2023-10-26. Review status: criteria provided, single submitter. Criteria: ACMG Guidelines, 2015. Collection method: clinical testing. Allele origin: unknown.

Literature cited by the submitters: PubMed 16510302 (cited by Labcorp Genetics (formerly Invitae), Labcorp); PubMed 23785301 (cited by Labcorp Genetics (formerly Invitae), Labcorp).

NM_000126.4(ETFA):c.625del (p.Arg209fs)

Gene: ETFA (electron transfer flavoprotein subunit alpha; minus strand). Cytogenetic location: 15q24.2.
Variant type: Deletion.
Coding change: c.625del on transcript NM_000126.4 (MANE Select); coding-DNA position 625, one base deleted (C; older notation c.625delC).
Protein change: p.Arg209fs; shifts the reading frame from arginine 209.
Molecular consequence: frameshift variant.
Genome position (GRCh38, 1-based): chr15:76,285,676, G deleted on the plus strand (C on the coding strand, the reverse complement: ETFA is on the minus strand). VCF-style (leftmost placement, unchanged base first): chr15-76285675-CG-C. GRCh37 (hg19) VCF-style: chr15-76578016-CG-C.
Other names: c.478del, p.Arg160fs (NM_001127716.2); c.625delC (NM_000126.3); short protein forms R209fs, R160fs.
Identifiers: ClinVar variation 853348 (VCV000853348.11), dbSNP rs1209473816, ClinGen allele CA619182227.
Genomic context (GRCh38, chr15:76,285,675, plus strand): 5'-TTAAGATTAATATTTCACTTACCACCAGATACCACCACTTTGGCACCTGTTAGCTCTGGT[CG>C]ATCACTTTTTGTTAATTTCTGGTCAAGCCACTCTGATATTTCCACTGGTGAAGTACTTGA-3'